The following is an entry in ClinVar:

ClinVar aggregate classification (germline): Uncertain significance (1 of 4 stars; one submission).

Conditions:
Combined immunodeficiency due to STIM1 deficiency. Also called: STIM1 DEFICIENCY; IMMUNODEFICIENCY 10. Identifiers: Orphanet 169090, Orphanet 317430, MedGen C2748557, MONDO:0013008, OMIM 612783.
Stormorken syndrome (STRMK). Also called: THROMBOCYTOPATHY, ASPLENIA, AND MIOSIS. Identifiers: Orphanet 3204, MedGen C1861451, MONDO:0008497, OMIM 185070.
Myopathy with tubular aggregates (TAM). Also called: Tubular Aggregate Myopathy. Identifiers: Orphanet 2593, MedGen C0410207, MONDO:0008051.

gnomAD v4.1: 1 of 1,614,170 alleles (0.000062%); highest among the groups gnomAD compares: Non-Finnish European, 0.000085%; no homozygotes.

Submission:

Labcorp Genetics (formerly Invitae), Labcorp
Classification: Uncertain significance for Myopathy with tubular aggregates; Combined immunodeficiency due to STIM1 deficiency; Stormorken syndrome. Last evaluated: 2025-02-03. Review status: criteria provided, single submitter. Criteria: Invitae Variant Classification Sherloc (09022015). Collection method: clinical testing. Allele origin: germline.
Comment: This sequence change replaces leucine, which is neutral and non-polar, with proline, which is neutral and non-polar, at codon 17 of the STIM1 protein (p.Leu17Pro). This variant is not present in population databases (gnomAD no frequency). This variant has not been reported in the literature in individuals affected with STIM1-related conditions. Invitae Evidence Modeling of protein sequence and biophysical properties (such as structural, functional, and spatial information, amino acid conservation, physicochemical variation, residue mobility, and thermodynamic stability) has been performed for this missense variant. However, the output from this modeling did not meet the statistical confidence thresholds required to predict the impact of this variant on STIM1 protein function. In summary, the available evidence is currently insufficient to determine the role of this variant in disease. Therefore, it has been classified as a Variant of Uncertain Significance.

NM_001382567.1(STIM1):c.50T>C (p.Leu17Pro)

Gene: STIM1 (stromal interaction molecule 1; plus strand). Cytogenetic location: 11p15.4.
Variant type: single nucleotide variant.
Coding change: c.50T>C on transcript NM_001382567.1 (MANE Select); coding-DNA position 50, T replaced by C.
Protein change: p.Leu17Pro; replaces leucine 17 with proline.
Molecular consequence: missense variant. On other transcripts: 5 prime UTR variant (1), non-coding transcript variant (3), intron variant (10).
Genome position (GRCh38, 1-based): chr11:3,856,320, T>C. VCF-style: chr11-3856320-T-C. GRCh37 (hg19) VCF-style: chr11-3877550-T-C.
Other names: c.50T>C, p.Leu17Pro (NM_001277961.3, NM_001277962.2, NM_001382568.1 and 3 more transcripts); c.46T>C, p.Cys16Arg (NM_001382569.1); c.-188T>C (NM_001382571.1); c.-84+1584T>C (NM_001382578.1, NM_001382575.1, NM_001382574.1); c.-220+1584T>C (NM_001382580.1, NM_001382581.1); c.-84+1666T>C (NM_001382576.1); c.-84+904T>C (NM_001382566.1, NM_001382579.1, NM_001382577.1 and 1 more transcripts); short protein forms C16R, L17P.
Identifiers: ClinVar variation 3759130 (VCV003759130.2).
Genomic context (GRCh38, chr11:3,856,320, plus strand): 5'-GACCTAGAGTCATGGATGTATGCGTCCGTCTTGCCCTGTGGCTCCTCTGGGGACTCCTCC[T>C]GCACCAGGGCCAGAGCCTCAGCCATAGTCACAGTGAGAAGGCGACAGGAACCAGCTCGGG-3'
Protein context (NP_001369496.1, residues 7-27): LALWLLWGLL[Leu17Pro]HQGQSLSHSH